The following is an entry in ClinVar:

ClinVar aggregate classification (germline): Uncertain significance. Review status: criteria provided, multiple submitters, no conflicts (2 of 4 stars). 2 submissions from 2 submitters: Uncertain significance (2). Last evaluated 2025-12-08.

Conditions:
Gorlin syndrome. Also called: Basal cell nevus syndrome; Nevoid Basal Cell Carcinoma Syndrome. Identifiers: Orphanet 377, MedGen C0004779, MONDO:0007187.
Hereditary cancer-predisposing syndrome. Also called: Neoplastic Syndromes, Hereditary; Hereditary neoplastic syndrome; Hereditary Cancer Syndrome; Tumor predisposition. Identifiers: Orphanet 140162, MedGen C0027672, MeSH D009386, MONDO:0015356.

Submissions (2):

Labcorp Genetics (formerly Invitae), Labcorp
Classification: Uncertain significance for Gorlin syndrome. Last evaluated: 2025-12-08. Review status: criteria provided, single submitter. Criteria: Invitae Variant Classification Sherloc (09022015). Collection method: clinical testing. Allele origin: germline.
Comment: This sequence change replaces leucine, which is neutral and non-polar, with valine, which is neutral and non-polar, at codon 744 of the PTCH1 protein (p.Leu744Val). This variant is not present in population databases (gnomAD no frequency). This variant has not been reported in the literature in individuals affected with PTCH1-related conditions. ClinVar contains an entry for this variant (Variation ID: 2166732). Invitae Evidence Modeling of protein sequence and biophysical properties (such as structural, functional, and spatial information, amino acid conservation, physicochemical variation, residue mobility, and thermodynamic stability) has been performed for this missense variant. However, the output from this modeling did not meet the statistical confidence thresholds required to predict the impact of this variant on PTCH1 protein function. In summary, the available evidence is currently insufficient to determine the role of this variant in disease. Therefore, it has been classified as a Variant of Uncertain Significance.

Ambry Genetics
Classification: Uncertain significance for Hereditary cancer-predisposing syndrome. Last evaluated: 2025-05-21. Review status: criteria provided, single submitter. Criteria: Ambry Variant Classification Scheme 2023. Collection method: clinical testing. Allele origin: germline.
Comment: The p.L744V variant (also known as c.2230C>G), located in coding exon 14 of the PTCH1 gene, results from a C to G substitution at nucleotide position 2230. The leucine at codon 744 is replaced by valine, an amino acid with highly similar properties. This amino acid position is conserved. In addition, the in silico prediction for this alteration is inconclusive. Based on the available evidence, the clinical significance of this variant remains unclear.

NM_000264.5(PTCH1):c.2230C>G (p.Leu744Val)

Genes: PTCH1 (patched 1; minus strand), LOC100507346 (uncharacterized LOC100507346; plus strand). Cytogenetic location: 9q22.32.
Variant type: single nucleotide variant.
Coding change: c.2230C>G on transcript NM_000264.5 (MANE Select); coding-DNA position 2230, C replaced by G.
Protein change: p.Leu744Val; replaces leucine 744 with valine.
Molecular consequence: missense variant. On other transcripts: non-coding transcript variant (2).
Genome position (GRCh38, 1-based): chr9:95,468,771, G>C on the plus strand (C>G on the coding strand, the complement: PTCH1 is on the minus strand). VCF-style: chr9-95468771-G-C. GRCh37 (hg19) VCF-style: chr9-98231053-G-C.
Other names: c.2032C>G, p.Leu678Val (NM_001083602.3); c.2227C>G, p.Leu743Val (NM_001083603.3); c.1777C>G, p.Leu593Val (NM_001083604.3, NM_001083605.3, NM_001083606.3 and 1 more transcripts); c.2074C>G, p.Leu692Val (NM_001354918.2); short protein forms L743V, L744V, L593V, L678V, L692V.
Identifiers: ClinVar variation 2166732 (VCV002166732.5), dbSNP rs2118023503, ClinGen allele CA374115232.
Genomic context (GRCh38, chr9:95,468,771, plus strand): 5'-TTTTTGAAGACAGGAAGAGCCTTAAGTTGTGGCAGATTACCTTGGCTTTTGGTTTCAAGA[G>C]GAAAGGAGCATAGTGCTTCTCAGCAAAAGATGAGAGTGTCCACTTCGTACAGGGGGGCTC-3'
Protein context (NP_000255.2, residues 734-754): SFAEKHYAPF[Leu744Val]LKPKAKVVVI